The following is an entry in ClinVar:

NM_001018115.3(FANCD2):c.3565T>C (p.Tyr1189His)

Genes: FANCD2 (FA complementation group D2; plus strand), FANCD2OS (FANCD2 opposite strand; minus strand). Cytogenetic location: 3p25.3.
Variant type: single nucleotide variant.
Coding change: c.3565T>C on transcript NM_001018115.3 (MANE Select); coding-DNA position 3565, T replaced by C.
Protein change: p.Tyr1189His; replaces tyrosine 1189 with histidine.
Molecular consequence: missense variant. On other transcripts: intron variant (1).
Genome position (GRCh38, 1-based): chr3:10,088,832, T>C. VCF-style: chr3-10088832-T-C. GRCh37 (hg19) VCF-style: chr3-10130516-T-C.
Other names: c.3565T>C, p.Tyr1189His (NM_001319984.2, NM_001374254.1, NM_033084.6); c.3454T>C, p.Tyr1152His (NM_001374253.1); c.*44-7301A>G (NM_173472.2); short protein forms Y1189H, Y1152H.
Identifiers: ClinVar variation 2495358 (VCV002495358.2), dbSNP rs1273519317, ClinGen allele CA351753385.

ClinVar aggregate classification (germline): Uncertain significance. Review status: criteria provided, multiple submitters, no conflicts (2 of 4 stars). 2 submissions from 2 submitters: Uncertain significance (2). Last evaluated 2025-03-09.

Conditions:
Fanconi anemia (FA). Also called: Fanconi's anemia. Identifiers: Orphanet 84, MedGen C0015625, MeSH D005199, MONDO:0019391.
Inborn genetic diseases. Identifiers: MedGen C0950123, MeSH D030342.

Allele frequency attached by ClinVar (database versions not stated): TOPMed below 0.00001.
gnomAD v4.1: 1 of 1,614,094 alleles (0.000062%); highest among the groups gnomAD compares: African/African-American, 0.0013%; no homozygotes.

Submissions (2):

Labcorp Genetics (formerly Invitae), Labcorp
Classification: Uncertain significance for Fanconi anemia. Last evaluated: 2025-03-09. Review status: criteria provided, single submitter. Criteria: Invitae Variant Classification Sherloc (09022015). Collection method: clinical testing. Allele origin: germline.
Comment: This sequence change replaces tyrosine, which is neutral and polar, with histidine, which is basic and polar, at codon 1189 of the FANCD2 protein (p.Tyr1189His). This variant is present in population databases (no rsID available, gnomAD 0.007%). This variant has not been reported in the literature in individuals affected with FANCD2-related conditions. ClinVar contains an entry for this variant (Variation ID: 2495358). Invitae Evidence Modeling of protein sequence and biophysical properties (such as structural, functional, and spatial information, amino acid conservation, physicochemical variation, residue mobility, and thermodynamic stability) indicates that this missense variant is not expected to disrupt FANCD2 protein function with a negative predictive value of 80%. In summary, the available evidence is currently insufficient to determine the role of this variant in disease. Therefore, it has been classified as a Variant of Uncertain Significance.

Ambry Genetics
Classification: Uncertain significance for Inborn genetic diseases. Last evaluated: 2023-03-07. Review status: criteria provided, single submitter. Criteria: Ambry Variant Classification Scheme 2023. Collection method: clinical testing. Allele origin: germline.